The following is an entry in ClinVar:

ClinVar aggregate classification (germline): Pathogenic. Review status: criteria provided, multiple submitters, no conflicts (2 of 4 stars). 2 submissions from 2 submitters: Pathogenic (2). Last evaluated 2023-08-30.

Conditions:
Werner syndrome (WRN). Identifiers: Orphanet 902, MedGen C0043119, MONDO:0010196, OMIM 277700.

Allele frequency attached by ClinVar (database versions not stated): gnomAD 0.00001; TOPMed 0.00002.

Submissions (2):

Labcorp Genetics (formerly Invitae), Labcorp
Classification: Pathogenic for Werner syndrome. Last evaluated: 2023-08-30. Review status: criteria provided, single submitter. Criteria: Invitae Variant Classification Sherloc (09022015). Collection method: clinical testing. Allele origin: germline.
Comment: This sequence change creates a premature translational stop signal (p.Thr1044Asnfs*5) in the WRN gene. It is expected to result in an absent or disrupted protein product. Loss-of-function variants in WRN are known to be pathogenic (PMID: 16673358). For these reasons, this variant has been classified as Pathogenic. ClinVar contains an entry for this variant (Variation ID: 632026). This premature translational stop signal has been observed in individual(s) with Werner syndrome (PMID: 16673358). This variant is not present in population databases (gnomAD no frequency).

CeGaT Center for Human Genetics Tuebingen
Classification: Pathogenic. Last evaluated: 2023-04-01. Review status: criteria provided, single submitter. Criteria: CeGaT Center For Human Genetics Tuebingen Variant Classification Criteria Version 2. Collection method: clinical testing. Allele origin: germline. Affected: yes. Observed: 1 variant allele.
Comment: WRN: PVS1, PM2, PS3:Supporting

Literature cited by the submitters: PubMed 16673358 (cited by Labcorp Genetics (formerly Invitae), Labcorp).

NM_000553.6(WRN):c.3130dup (p.Thr1044fs)

Gene: WRN (WRN RecQ like helicase; plus strand). Cytogenetic location: 8p12.
Variant type: Duplication.
Coding change: c.3130dup on transcript NM_000553.6 (MANE Select); coding-DNA position 3130, one base duplicated (A; older notation c.3130dupA).
Protein change: p.Thr1044fs; shifts the reading frame from threonine 1044.
Molecular consequence: frameshift variant.
Genome position (GRCh38, 1-based): chr8:31,141,592, A duplicated. VCF-style (leftmost placement, unchanged base first): chr8-31141591-T-TA. GRCh37 (hg19) VCF-style: chr8-30999107-T-TA.
Other names: short protein forms T1044fs.
Identifiers: ClinVar variation 632026 (VCV000632026.40), dbSNP rs1563376595, ClinGen allele CA913189779.
Genomic context (GRCh38, chr8:31,141,591, plus strand): 5'-CACTGAGGGATTCTTGGTAGAAGTTTCTCGGTATAACAAATTTATGAAGATTTGCGCCCT[T>TA]ACGAAAAAGGTAAACGGTGTAGGAGTCTGCCTGTTTGACTTAATTTTGTTTCCCACTCCA-3'